The following is an entry in ClinVar:

NM_007194.4(CHEK2):c.847-17T>G

Gene: CHEK2 (checkpoint kinase 2; minus strand). Cytogenetic location: 22q12.1.
Variant type: single nucleotide variant.
Coding change: c.847-17T>G on transcript NM_007194.4 (MANE Select); 17 bases into the intron before coding-DNA position 847, T replaced by G.
Molecular consequence: intron variant.
Genome position (GRCh38, 1-based): chr22:28,703,583, A>C on the plus strand (T>G on the coding strand, the complement: CHEK2 is on the minus strand). VCF-style: chr22-28703583-A-C. GRCh37 (hg19) VCF-style: chr22-29099571-A-C.
Other names: c.184-17T>G (NM_001437942.1, NM_001257387.3); c.646-17T>G (NM_001349956.3); c.847-17T>G (NM_145862.3); c.940-17T>G (NM_001438295.1, NM_001438293.1); c.976-17T>G (NM_001438294.1, NM_001005735.3).
Identifiers: ClinVar variation 2737005 (VCV002737005.3), dbSNP rs199780411, ClinGen allele CA10167800.

ClinVar aggregate classification (germline): Uncertain significance (1 of 4 stars; one submission).

Conditions:
Familial cancer of breast. Also called: BREAST CANCER, FAMILIAL; Hereditary breast cancer; hereditary breast carcinoma. Identifiers: Orphanet 227535, MedGen C0346153, MONDO:0016419, OMIM 114480. Disease mechanism: loss of function.

gnomAD v4.1: 3 of 1,501,804 alleles (0.0002%); highest among the groups gnomAD compares: African/African-American, 0.0028%; no homozygotes.

Submission:

Labcorp Genetics (formerly Invitae), Labcorp
Classification: Uncertain significance for Familial cancer of breast. Last evaluated: 2023-08-02. Review status: criteria provided, single submitter. Criteria: Invitae Variant Classification Sherloc (09022015). Collection method: clinical testing. Allele origin: germline.
Comment: This sequence change falls in intron 7 of the CHEK2 gene. It does not directly change the encoded amino acid sequence of the CHEK2 protein. This variant is present in population databases (rs199780411, gnomAD 0.008%). This variant has not been reported in the literature in individuals affected with CHEK2-related conditions. Studies have shown this variant is associated with skipping of exon 8, but one or more of the resulting mRNA isoform(s) may be naturally occurring (Invitae). In summary, the available evidence is currently insufficient to determine the role of this variant in disease. Therefore, it has been classified as a Variant of Uncertain Significance.